The following is an entry in ClinVar:

NM_000478.6(ALPL):c.1000G>C (p.Gly334Arg)

Gene: ALPL (alkaline phosphatase, biomineralization associated; plus strand). Cytogenetic location: 1p36.12.
Variant type: single nucleotide variant.
Coding change: c.1000G>C on transcript NM_000478.6 (MANE Select); coding-DNA position 1000, G replaced by C.
Protein change: p.Gly334Arg; replaces glycine 334 with arginine.
Molecular consequence: missense variant.
Genome position (GRCh38, 1-based): chr1:21,575,735, G>C. VCF-style: chr1-21575735-G-C. GRCh37 (hg19) VCF-style: chr1-21902228-G-C.
Other names: c.835G>C, p.Gly279Arg (NM_001127501.4); c.769G>C, p.Gly257Arg (NM_001177520.3); c.1000G>C, p.Gly334Arg (NM_001369803.2, NM_001369804.2, NM_001369805.2); short protein forms G257R, G279R, G334R.
Identifiers: ClinVar variation 4086855 (VCV004086855.1).

ClinVar aggregate classification (germline): Likely pathogenic (1 of 4 stars; one submission).

Conditions:
Hypophosphatasia. Also called: Phosphoethanol-aminuria. Identifiers: Orphanet 436, MedGen C0020630, MeSH D007014, MONDO:0018570.

Submission:

Genomenon, Inc
Classification: Likely pathogenic for Hypophosphatasia. Last evaluated: 2025-08-29. Review status: criteria provided, single submitter. Criteria: Genomenon Sequence Variant Interpretation Standards. Collection method: curation. Allele origin: germline. Affected: yes.
Comment: ALPL c.1000G>C is a missense variant that changes the amino acid at residue 334 from Glycine to Arginine. This variant has been observed in at least one proband affected with hypophosphatasia (PMID:19500388). At least one functional study has demonstrated a substantial alteration in protein function relative to the wild-type (PMID:19500388). It is absent or not present at a significant frequency in gnomAD. In silico models agree that this variant is possibly or probably damaging. In conclusion, we classify ALPL p.Gly334Arg (c.1000G>C) as a likely pathogenic variant.

Literature cited by the submitters: PubMed 19500388.